The following is an entry in ClinVar:

ClinVar aggregate classification (germline): Pathogenic (1 of 4 stars; one submission).

Conditions:
Multiple congenital exostosis (EXT). Also called: MULTIPLE CARTILAGINOUS EXOSTOSES; Hereditary multiple exostoses; Hereditary multiple exostosis; Hereditary multiple osteochondromas; Multiple osteochondromas; Multiple exostoses. Identifiers: Orphanet 321, MedGen C0015306, MONDO:0005508, HP:0002762.

Submission:

Labcorp Genetics (formerly Invitae), Labcorp
Classification: Pathogenic for Multiple congenital exostosis. Last evaluated: 2025-07-16. Review status: criteria provided, single submitter. Criteria: Invitae Variant Classification Sherloc (09022015). Collection method: clinical testing. Allele origin: germline.
Comment: This sequence change creates a premature translational stop signal (p.Leu411*) in the EXT1 gene. It is expected to result in an absent or disrupted protein product. Loss-of-function variants in EXT1 are known to be pathogenic (PMID: 10679937, 11391482, 19810120). This variant is not present in population databases (gnomAD no frequency). This variant has not been reported in the literature in individuals affected with EXT1-related conditions. Algorithms developed to predict the effect of sequence changes on RNA splicing suggest that this variant may disrupt the consensus splice site. For these reasons, this variant has been classified as Pathogenic.

Literature cited by the submitters: PubMed 10679937; PubMed 11391482; PubMed 19810120.

NM_000127.3(EXT1):c.1232T>A (p.Leu411Ter)

Gene: EXT1 (exostosin glycosyltransferase 1; minus strand). Cytogenetic location: 8q24.11.
Variant type: single nucleotide variant.
Coding change: c.1232T>A on transcript NM_000127.3 (MANE Select); coding-DNA position 1232, T replaced by A.
Protein change: p.Leu411Ter; replaces leucine 411 with a stop codon.
Molecular consequence: nonsense.
Genome position (GRCh38, 1-based): chr8:117,830,282, A>T on the plus strand (T>A on the coding strand, the complement: EXT1 is on the minus strand). VCF-style: chr8-117830282-A-T. GRCh37 (hg19) VCF-style: chr8-118842521-A-T.
Other names: short protein forms L411*.
Identifiers: ClinVar variation 4713852 (VCV004713852.1).